The following is an entry in ClinVar:

ClinVar aggregate classification (germline): Uncertain significance (1 of 4 stars; one submission).

Conditions:
ANLN-related disorder. Also called: ANLN-related condition.

gnomAD v4.1: 13 of 1,607,992 alleles (0.00081%); highest among the groups gnomAD compares: Non-Finnish European, 0.00094%; no homozygotes.

Submission:

PreventionGenetics, part of Exact Sciences
Classification: Uncertain significance for ANLN-related condition. Last evaluated: 2025-08-17. Review status: criteria provided, single submitter. Criteria: ACMG Guidelines, 2015. Collection method: clinical testing. Allele origin: germline.
Comment: The ANLN c.106C>T variant is predicted to result in the amino acid substitution p.His36Tyr. To our knowledge, this variant has not been reported in the literature. This variant is reported in 0.0018% of alleles in individuals of European (Non-Finnish) descent in gnomAD. At this time, the clinical significance of this variant is uncertain due to the absence of conclusive functional and genetic evidence.

NM_018685.5(ANLN):c.106C>T (p.His36Tyr)

Gene: ANLN (anillin, actin binding protein; plus strand). Cytogenetic location: 7p14.2.
Variant type: single nucleotide variant.
Coding change: c.106C>T on transcript NM_018685.5 (MANE Select); coding-DNA position 106, C replaced by T.
Protein change: p.His36Tyr; replaces histidine 36 with tyrosine.
Molecular consequence: missense variant.
Genome position (GRCh38, 1-based): chr7:36,396,353, C>T. VCF-style: chr7-36396353-C-T. GRCh37 (hg19) VCF-style: chr7-36435962-C-T.
Other names: c.106C>T, p.His36Tyr (NM_001284301.3, NM_001284302.3); short protein forms H36Y.
Identifiers: ClinVar variation 4986394 (VCV004986394.1).